The following is an entry in ClinVar:

NM_001005361.3(DNM2):c.1106G>T (p.Arg369Leu)

Gene: DNM2 (dynamin 2; plus strand). Cytogenetic location: 19p13.2.
Variant type: single nucleotide variant.
Coding change: c.1106G>T on transcript NM_001005361.3 (MANE Select); coding-DNA position 1106, G replaced by T.
Protein change: p.Arg369Leu; replaces arginine 369 with leucine.
Molecular consequence: missense variant.
Genome position (GRCh38, 1-based): chr19:10,793,833, G>T. VCF-style: chr19-10793833-G-T. GRCh37 (hg19) VCF-style: chr19-10904509-G-T.
Other names: c.1106G>T, p.Arg369Leu (NM_001005360.3, NM_001005362.3, NM_001190716.2 and 1 more transcripts); short protein forms R369L.
Identifiers: ClinVar variation 245905 (VCV000245905.3), dbSNP rs121909089, ClinGen allele CA10584604.

ClinVar aggregate classification (germline): Conflicting classifications of pathogenicity. Review status: criteria provided, conflicting classifications (1 of 4 stars). 2 submissions from 2 submitters: Likely pathogenic (1); Uncertain significance (1). Last evaluated 2025-04-13.

Conditions:
Charcot-Marie-Tooth disease dominant intermediate B (CMTDIB). Also called: CHARCOT-MARIE-TOOTH NEUROPATHY, DOMINANT INTERMEDIATE B; Charcot-Marie-Tooth disease dominant intermediate 1; CMT DI1; Charcot-Marie-Tooth disease dominant intermediate I. Identifiers: Orphanet 100044, Orphanet 228179, MedGen C1847902, MONDO:0011674, OMIM 606482.

Submissions (2):

Labcorp Genetics (formerly Invitae), Labcorp
Classification: Uncertain significance for Charcot-Marie-Tooth disease dominant intermediate B. Last evaluated: 2025-04-13. Review status: criteria provided, single submitter. Criteria: Invitae Variant Classification Sherloc (09022015). Collection method: clinical testing. Allele origin: germline.
Comment: This sequence change replaces arginine, which is basic and polar, with leucine, which is neutral and non-polar, at codon 369 of the DNM2 protein (p.Arg369Leu). This variant is not present in population databases (gnomAD no frequency). This missense change has been observed in individual(s) with clinical features of Charcot-Marie-Tooth disease (internal data). ClinVar contains an entry for this variant (Variation ID: 245905). Invitae Evidence Modeling of protein sequence and biophysical properties (such as structural, functional, and spatial information, amino acid conservation, physicochemical variation, residue mobility, and thermodynamic stability) has been performed for this missense variant. However, the output from this modeling did not meet the statistical confidence thresholds required to predict the impact of this variant on DNM2 protein function. This variant disrupts the p.Arg369 amino acid residue in DNM2. Other variant(s) that disrupt this residue have been determined to be pathogenic (PMID: 16227997, 19130742, 25501959, 26908122). This suggests that this residue is clinically significant, and that variants that disrupt this residue are likely to be disease-causing. In summary, the available evidence is currently insufficient to determine the role of this variant in disease. Therefore, it has been classified as a Variant of Uncertain Significance.

GeneDx
Classification: Likely pathogenic. Last evaluated: 2015-09-04. Review status: criteria provided, single submitter. Criteria: GeneDx Variant Classification (06012015). Collection method: clinical testing. Allele origin: germline. Affected: yes.
Comment: The R369L variant has not been published as pathogenic, nor has it been reported as a benign polymorphism to our knowledge. However, two different missense variants have been reported at this amino acid (R369W/Q) and reported in multiple affected individuals (Bitoun et al., 2005; Dabby et al., 2014). It was not observed in approximately 6,500 individuals of European and African American ancestry in the NHLBI Exome Sequencing Project, indicating it is not a common benign variant in these populations. The R369L variant is a non-conservative amino acid substitution, which is likely to impact secondary protein structure as these residues differ in polarity, charge, size and/or other properties. Additionally, this substitution occurs at a position that is conserved across species. Furthermore, missense variants in nearby residues (E368Q/K, V375G, F379V) have been reported in the Human Gene Mutation Database in association with DNM2-related disorders (Stenson et al., 2014), supporting the functional importance of this region of the protein. However, in silico analysis is inconsistent in its predictions as to whether or not the variant is damaging to the protein structure/function. Therefore, this variant is a strong candidate for a pathogenic variant, however the possibility that it is a benign variant cannot be excluded.

Literature cited by the submitters: PubMed 16227997 (cited by Labcorp Genetics (formerly Invitae), Labcorp); PubMed 19130742 (cited by Labcorp Genetics (formerly Invitae), Labcorp); PubMed 25501959 (cited by Labcorp Genetics (formerly Invitae), Labcorp); PubMed 26908122 (cited by Labcorp Genetics (formerly Invitae), Labcorp).